The following is an entry in ClinVar:

NM_002497.4(NEK2):c.778C>T (p.Pro260Ser)

Gene: NEK2 (NIMA related kinase 2; minus strand). Cytogenetic location: 1q32.3.
Variant type: single nucleotide variant.
Coding change: c.778C>T on transcript NM_002497.4 (MANE Select); coding-DNA position 778, C replaced by T.
Protein change: p.Pro260Ser; replaces proline 260 with serine.
Molecular consequence: missense variant.
Genome position (GRCh38, 1-based): chr1:211,669,320, G>A on the plus strand (C>T on the coding strand, the complement: NEK2 is on the minus strand). VCF-style: chr1-211669320-G-A. GRCh37 (hg19) VCF-style: chr1-211842662-G-A.
Other names: c.778C>T, p.Pro260Ser (NM_001204182.2, NM_001204183.2); short protein forms P260S.
Identifiers: ClinVar variation 1930884 (VCV001930884.5), dbSNP rs773890490, ClinGen allele CA1381586.

ClinVar aggregate classification (germline): Uncertain significance (1 of 4 stars; one submission).

Allele frequency attached by ClinVar (database versions not stated): TOPMed below 0.00001; ExAC 0.00001; gnomAD exomes 0.00001.
gnomAD v4.1: 7 of 1,614,072 alleles (0.00043%); highest among the groups gnomAD compares: Non-Finnish European, 0.00059%; no homozygotes.

Submission:

Labcorp Genetics (formerly Invitae), Labcorp
Classification: Uncertain significance. Last evaluated: 2024-10-17. Review status: criteria provided, single submitter. Criteria: Invitae Variant Classification Sherloc (09022015). Collection method: clinical testing. Allele origin: germline.
Comment: This sequence change replaces proline, which is neutral and non-polar, with serine, which is neutral and polar, at codon 260 of the NEK2 protein (p.Pro260Ser). This variant is present in population databases (rs773890490, gnomAD 0.002%). This variant has not been reported in the literature in individuals affected with NEK2-related conditions. ClinVar contains an entry for this variant (Variation ID: 1930884). An algorithm developed to predict the effect of missense changes on protein structure and function (PolyPhen-2) suggests that this variant is likely to be disruptive. In summary, the available evidence is currently insufficient to determine the role of this variant in disease. Therefore, it has been classified as a Variant of Uncertain Significance.